The following is an entry in ClinVar:

NM_022369.4(STRA6):c.1803C>T (p.Ala601=)

Gene: STRA6 (signaling receptor and transporter of retinol STRA6; minus strand). Cytogenetic location: 15q24.1.
Variant type: single nucleotide variant.
Coding change: c.1803C>T on transcript NM_022369.4 (MANE Select); coding-DNA position 1803, C replaced by T.
Protein change: p.Ala601=; no amino-acid change (alanine 601 retained).
Molecular consequence: synonymous variant.
Genome position (GRCh38, 1-based): chr15:74,180,819, G>A on the plus strand (C>T on the coding strand, the complement: STRA6 is on the minus strand). VCF-style: chr15-74180819-G-A. GRCh37 (hg19) VCF-style: chr15-74473160-G-A.
Other names: c.1803C>T, p.Ala601= (NM_001142617.2, NM_001142618.2); c.1776C>T, p.Ala592= (NM_001142619.2); c.1914C>T, p.Ala638= (NM_001199040.2); c.1848C>T, p.Ala616= (NM_001199041.2); c.1920C>T, p.Ala640= (NM_001199042.2).
Identifiers: ClinVar variation 888026 (VCV000888026.4), dbSNP rs2277607, ClinGen allele CA7654438.
Genomic context (GRCh38, chr15:74,180,819, plus strand): 5'-CCATTCCCAGTGGGAGGGCGCACCTTCGTCTTCCTCCCCTGGTCTGAGGCTGTCCTGGGG[G>A]GCTGCCATGGTCCTGGGTAGGAGGCTCTGCGCTTGCAGGAGCAGGGAGCAGAAGGCTGTC-3'
Protein context (NP_071764.3, residues 591-611): AQSLLPRTMA[Ala601=]PQDSLRPGEE

ClinVar aggregate classification (germline): Likely benign (1 of 4 stars; one submission).

Conditions:
Microphthalmia, syndromic 9. Also called: PULMONARY AGENESIS, MICROPHTHALMIA, AND DIAPHRAGMATIC DEFECT; SPEAR SYNDROME; Matthew-Wood syndrome; ANOPHTHALMIA, CLINICAL, WITH MILD FACIAL DYSMORPHISM AND VARIABLE MALFORMATIONS OF THE LUNG, HEART, AND DIAPHRAGM; ANOPHTHALMIA/MICROPHTHALMIA AND PULMONARY HYPOPLASIA. Identifiers: Orphanet 2470, MedGen C1832661, MONDO:0011010, OMIM 601186.

Allele frequency attached by ClinVar (database versions not stated): gnomAD 0.00008 and 0.00011; TOPMed 0.00012; 1000 Genomes Project 30x 0.00016; 1000 Genomes Project 0.00020; ExAC 0.00030; gnomAD exomes 0.00030.
gnomAD v4.1: 267 of 1,613,670 alleles (0.017%); highest among the groups gnomAD compares: East Asian, 0.58%; no homozygotes.

Submission:

Illumina Laboratory Services, Illumina
Classification: Likely benign for Microphthalmia, syndromic 9. Last evaluated: 2018-01-13. Review status: criteria provided, single submitter. Criteria: ICSL Variant Classification Criteria 13 December 2019. Collection method: clinical testing. Allele origin: germline.
Comment: This variant was observed in the ICSL laboratory as part of a predisposition screen in an ostensibly healthy population. It had not been previously curated by ICSL or reported in the Human Gene Mutation Database (HGMD: prior to June 1st, 2018), and was therefore a candidate for classification through an automated scoring system. Utilizing variant allele frequency, disease prevalence and penetrance estimates, and inheritance mode, an automated score was calculated to assess if this variant is too frequent to cause the disease. Based on the score and internal cut-off values, a variant classified as likely benign is not then subjected to further curation. The score for this variant resulted in a classification of likely benign for this disease.